The following is an entry in ClinVar:

NM_001371986.1(UNC80):c.4582G>T (p.Val1528Leu)

Gene: UNC80 (unc-80 subunit of NALCN channel complex; plus strand). Cytogenetic location: 2q34.
Variant type: single nucleotide variant.
Coding change: c.4582G>T on transcript NM_001371986.1 (MANE Select); coding-DNA position 4582, G replaced by T.
Protein change: p.Val1528Leu; replaces valine 1528 with leucine.
Molecular consequence: missense variant.
Genome position (GRCh38, 1-based): chr2:209,904,765, G>T. VCF-style: chr2-209904765-G-T. GRCh37 (hg19) VCF-style: chr2-210769489-G-T.
Other names: c.4384G>T, p.Val1462Leu (NM_032504.2); c.4369G>T, p.Val1457Leu (NM_182587.4); short protein forms V1457L, V1462L, V1528L.
Identifiers: ClinVar variation 2075633 (VCV002075633.4), dbSNP rs2087971681, ClinGen allele CA350754626.
Genomic context (GRCh38, chr2:209,904,765, plus strand): 5'-ATGTTCAGTTTATCTGTACCCTGGTTGCCTGGCTGAGTCTCAGGAATGTTTGTATTCCAG[G>T]TGATGATCTTGCTGTGCAATCAGCAGAGTTTCATCTGCACTCACGTTGACTACTGCCATC-3'
Protein context (NP_001358915.1, residues 1518-1538): NYHRNMSWLH[Val1528Leu]MILLCNQQSF

ClinVar aggregate classification (germline): Uncertain significance (1 of 4 stars; one submission).

Submission:

Labcorp Genetics (formerly Invitae), Labcorp
Classification: Uncertain significance. Last evaluated: 2022-01-05. Review status: criteria provided, single submitter. Criteria: Invitae Variant Classification Sherloc (09022015). Collection method: clinical testing. Allele origin: germline.
Comment: In summary, the available evidence is currently insufficient to determine the role of this variant in disease. Therefore, it has been classified as a Variant of Uncertain Significance. Algorithms developed to predict the effect of sequence changes on RNA splicing suggest that this variant may disrupt the consensus splice site. Algorithms developed to predict the effect of missense changes on protein structure and function are either unavailable or do not agree on the potential impact of this missense change (SIFT: "Not Available"; PolyPhen-2: "Benign"; Align-GVGD: "Not Available"). This variant has not been reported in the literature in individuals affected with UNC80-related conditions. This variant is not present in population databases (gnomAD no frequency). This sequence change replaces valine, which is neutral and non-polar, with leucine, which is neutral and non-polar, at codon 1462 of the UNC80 protein (p.Val1462Leu).